The following is an entry in ClinVar:

NM_015450.3(POT1):c.949A>C (p.Ser317Arg)

Gene: POT1 (protection of telomeres 1; minus strand). Cytogenetic location: 7q31.33.
Variant type: single nucleotide variant.
Coding change: c.949A>C on transcript NM_015450.3 (MANE Select); coding-DNA position 949, A replaced by C.
Protein change: p.Ser317Arg; replaces serine 317 with arginine.
Molecular consequence: missense variant. On other transcripts: non-coding transcript variant (3).
Genome position (GRCh38, 1-based): chr7:124,851,872, T>G on the plus strand (A>C on the coding strand, the complement: POT1 is on the minus strand). VCF-style: chr7-124851872-T-G. GRCh37 (hg19) VCF-style: chr7-124491926-T-G.
Other names: c.556A>C, p.Ser186Arg (NM_001042594.2); short protein forms S317R, S186R.
Identifiers: ClinVar variation 486155 (VCV000486155.5), dbSNP rs1554423487, ClinGen allele CA369054235.

ClinVar aggregate classification (germline): Uncertain significance (1 of 4 stars; one submission).

Conditions:
Hereditary cancer-predisposing syndrome. Also called: Tumor predisposition; Hereditary Cancer Syndrome; Hereditary neoplastic syndrome; Neoplastic Syndromes, Hereditary. Identifiers: Orphanet 140162, MedGen C0027672, MeSH D009386, MONDO:0015356.

gnomAD v4.1: 2 of 1,596,574 alleles (0.00013%); highest among the groups gnomAD compares: Non-Finnish European, 0.00017%; no homozygotes.

Submission:

Ambry Genetics
Classification: Uncertain significance for Hereditary cancer-predisposing syndrome. Last evaluated: 2017-08-31. Review status: criteria provided, single submitter. Criteria: Ambry Variant Classification Scheme 2023. Collection method: clinical testing. Allele origin: germline.
Comment: The c.949A>C variant (also known as p.S317R), located in coding exon 7 of the POT1 gene, results from an A to C substitution at nucleotide position 949. The amino acid change results in serine to arginine at codon 317, an amino acid with dissimilar properties. However, this change occurs in the last base pair of coding exon 7, which makes it likely to have some effect on normal mRNA splicing. This amino acid position is well conserved in available vertebrate species. In addition, this alteration is predicted to be tolerated by in silico analysis. Since supporting evidence is limited at this time, the clinical significance of this alteration remains unclear.